The following is an entry in ClinVar:

ClinVar aggregate classification (germline): Uncertain significance (1 of 4 stars; one submission).

Submission:

Women's Health and Genetics/Laboratory Corporation of America, LabCorp
Classification: Uncertain significance. Last evaluated: 2024-06-13. Review status: criteria provided, single submitter. Criteria: LabCorp Variant Classification Summary - May 2015. Collection method: clinical testing. Allele origin: germline.
Comment: Variant summary: COL4A4 c.2473G>A (p.Gly825Ser) results in a non-conservative amino acid change in the encoded protein sequence. Four of five in-silico tools predict a damaging effect of the variant on protein function. The variant was absent in 247854 control chromosomes. The available data on variant occurrences in the general population are insufficient to allow any conclusion about variant significance. To our knowledge, no occurrence of c.2473G>A in individuals affected with COL4A4-related conditions and no experimental evidence demonstrating its impact on protein function have been reported. No submitters have cited clinical-significance assessments for this variant to ClinVar. Based on the evidence outlined above, the variant was classified as uncertain significance.

NM_000092.5(COL4A4):c.2473G>A (p.Gly825Ser)

Gene: COL4A4 (collagen type IV alpha 4 chain; minus strand). Cytogenetic location: 2q36.3.
Variant type: single nucleotide variant.
Coding change: c.2473G>A on transcript NM_000092.5 (MANE Select); coding-DNA position 2473, G replaced by A.
Protein change: p.Gly825Ser; replaces glycine 825 with serine.
Molecular consequence: missense variant.
Genome position (GRCh38, 1-based): chr2:227,057,511, C>T on the plus strand (G>A on the coding strand, the complement: COL4A4 is on the minus strand). VCF-style: chr2-227057511-C-T. GRCh37 (hg19) VCF-style: chr2-227922227-C-T.
Other names: short protein forms G825S.
Identifiers: ClinVar variation 3339563 (VCV003339563.1).
Genomic context (GRCh38, chr2:227,057,511, plus strand): 5'-GATACCCAGGGAGTCCCGGTTGCCCTGGTATCCCTGGAGCACCTCTTTCACAGGAATGGC[C>T]AGGTGGACCTGGGACACCTGGAAACCCAGCATGTCCCTCTCTGCCTTTGGGACCTTTGAG-3'
Protein context (NP_000083.3, residues 815-835): AGFPGVPGPP[Gly825Ser]HSCERGAPGI